The following is an entry in ClinVar:

NM_000059.4(BRCA2):c.-39-2A>G

Gene: BRCA2 (BRCA2 DNA repair associated; plus strand). Cytogenetic location: 13q13.1.
Variant type: single nucleotide variant.
Coding change: c.-39-2A>G on transcript NM_000059.4 (MANE Select); the canonical splice acceptor site of the intron before 39 bases upstream of the start codon, A replaced by G.
Molecular consequence: splice acceptor variant. On other transcripts: intron variant (1).
Genome position (GRCh38, 1-based): chr13:32,316,420, A>G. VCF-style: chr13-32316420-A-G. GRCh37 (hg19) VCF-style: chr13-32890557-A-G.
Other names: c.-39-2A>G (NM_001406720.1, NM_001406719.1, NM_001406721.1); c.-303+753A>G (NM_001406722.1).
Identifiers: ClinVar variation 438974 (VCV000438974.21), dbSNP rs1555280053, ClinGen allele CA645509354.

ClinVar aggregate classification (germline): Pathogenic/Likely pathogenic. Review status: criteria provided, multiple submitters, no conflicts (2 of 4 stars). 8 submissions from 8 submitters: Pathogenic (1); Likely pathogenic (7). Last evaluated 2025-12-17.

Conditions:
Hereditary breast ovarian cancer syndrome. Also called: Breast and ovarian cancer; BRCA1- and BRCA2-Associated Hereditary Breast and Ovarian Cancer; Hereditary breast and ovarian cancer; Hereditary breast and/or ovarian cancer syndrome; Hereditary breast and ovarian cancer syndrome; Hereditary breast and ovarian cancer syndrome (HBOC). Identifiers: Orphanet 145, MedGen C0677776, MeSH D061325, MONDO:0003582. Disease mechanism: loss of function.
Familial cancer of breast. Also called: BREAST CANCER, FAMILIAL; hereditary breast carcinoma; Hereditary breast cancer. Identifiers: Orphanet 227535, MedGen C0346153, MONDO:0016419, OMIM 114480. Disease mechanism: loss of function.
Hereditary cancer-predisposing syndrome. Also called: Neoplastic Syndromes, Hereditary; Tumor predisposition; Hereditary neoplastic syndrome; Hereditary Cancer Syndrome. Identifiers: Orphanet 140162, MedGen C0027672, MeSH D009386, MONDO:0015356.
Breast-ovarian cancer, familial, susceptibility to, 2 (BROVCA2). Also called: BRCA2 Hereditary Breast and Ovarian Cancer. Identifiers: Orphanet 145, MedGen C2675520, MONDO:0012933, OMIM 612555. Disease mechanism: loss of function.

Submissions (8):

Ambry Genetics
Classification: Likely pathogenic for Hereditary cancer-predisposing syndrome. Last evaluated: 2025-12-17. Review status: criteria provided, single submitter. Criteria: Ambry Variant Classification Scheme 2023. Collection method: clinical testing. Allele origin: germline.
Comment: The c.-39-2A>G intronic variant is located in the 5' untranslated region (5&rsquo; UTR) of the BRCA2 gene and results from a A to G substitution two nucleotides before coding exon 1. This nucleotide position is highly conserved in available vertebrate species. In silico splice site analysis predicts that this alteration will weaken the native splice acceptor site; however, direct evidence is insufficient at this time (Ambry internal data). This variant is considered to be rare based on population cohorts in the Genome Aggregation Database (gnomAD). Alterations that disrupt the canonical splice site are expected to cause aberrant splicing, resulting in the loss of the translational start codon. As such, this alteration is classified as likely pathogenic.

Labcorp Genetics (formerly Invitae), Labcorp
Classification: Likely pathogenic for Hereditary breast ovarian cancer syndrome. Last evaluated: 2025-10-11. Review status: criteria provided, single submitter. Criteria: Invitae Variant Classification Sherloc (09022015). Collection method: clinical testing. Allele origin: germline.
Comment: This sequence change affects an acceptor splice site in intron 1 of the BRCA2 gene. It is expected to disrupt RNA splicing. Variants that disrupt the donor or acceptor splice site typically lead to a loss of protein function (PMID: 16199547), and loss-of-function variants in BRCA2 are known to be pathogenic (PMID: 20104584). This variant is not present in population databases (gnomAD no frequency). Disruption of this splice site has been observed in individual(s) with prostate cancer (PMID: 32853339). ClinVar contains an entry for this variant (Variation ID: 438974). RNA analysis provides insufficient evidence to determine the effect of this variant on BRCA2 splicing (internal data). In summary, the currently available evidence indicates that the variant is pathogenic, but additional data are needed to prove that conclusively. Therefore, this variant has been classified as Likely Pathogenic.

Color Diagnostics, LLC DBA Color Health
Classification: Likely pathogenic for Hereditary cancer-predisposing syndrome. Last evaluated: 2025-07-09. Review status: criteria provided, single submitter. Criteria: ACMG Guidelines, 2015. Collection method: clinical testing. Allele origin: germline.
Comment: This variant substitutes a conserved A nucleotide with a G nucleotide in the intron 1 splice acceptor site in the BRCA2 gene. Splice site prediction tools suggest that this variant impacts RNA splicing. To our knowledge, functional and RNA studies have not been reported for this variant. This variant has been detected in a breast cancer case-control meta-analysis in 0/60466 cases and 1/53461 unaffected individuals and in an individual affected with prostate cancer (PMID: 32853339, 33471991Leiden Open Variation Database DB-ID BRCA2_001853). This variant has not been identified in the general population by the Genome Aggregation Database (gnomAD). Based on the available evidence, this variant is classified as Likely Pathogenic.

GeneDx
Classification: Likely pathogenic. Last evaluated: 2024-01-26. Review status: criteria provided, single submitter. Criteria: GeneDx Variant Classification Process June 2021. Collection method: clinical testing. Allele origin: germline. Affected: yes.
Comment: Canonical splice site variant predicted to result in a null allele in a gene for which loss of function is a known mechanism of disease; Observed in a patient with prostate cancer (PMID: 32853339); Not observed at significant frequency in large population cohorts (gnomAD); Also known as 190-2A>G; This variant is associated with the following publications: (PMID: 36651276, 32853339)

Baylor Genetics
Classification: Likely pathogenic for Familial cancer of breast. Last evaluated: 2023-04-22. Review status: criteria provided, single submitter. Criteria: ACMG Guidelines, 2015. Collection method: clinical testing. Allele origin: unknown.

Quest Diagnostics Nichols Institute San Juan Capistrano
Classification: Likely pathogenic. Last evaluated: 2017-03-08. Review status: criteria provided, single submitter. Criteria: Quest Diagnostics criteria. Collection method: clinical testing. Allele origin: germline.

Clinical Genetics DNA and cytogenetics Diagnostics Lab, Erasmus MC, Erasmus Medical Center
Classification: Pathogenic for Breast-ovarian cancer, familial, susceptibility to, 2. Last evaluated: 2015-09-21. Review status: criteria provided, single submitter. Criteria: ACGS Guidelines, 2013. Collection method: clinical testing. Allele origin: germline. Affected: yes. Study: VKGL Data-share Consensus.

Genome Diagnostics Laboratory, University Medical Center Utrecht
Classification: Likely pathogenic for Breast-ovarian cancer, familial, susceptibility to, 2. Last evaluated: 2014-10-09. Review status: criteria provided, single submitter. Criteria: ACGS Guidelines, 2013. Collection method: clinical testing. Allele origin: germline. Affected: yes. Study: VKGL Data-share Consensus.

Literature cited by the submitters: PubMed 16199547 (cited by Labcorp Genetics (formerly Invitae), Labcorp); PubMed 20104584 (cited by Labcorp Genetics (formerly Invitae), Labcorp); PubMed 32853339 (cited by Labcorp Genetics (formerly Invitae), Labcorp and Color Diagnostics, LLC DBA Color Health); PubMed 33471991 (cited by Color Diagnostics, LLC DBA Color Health).